The following is an entry in ClinVar:

NM_006208.3(ENPP1):c.5A>G (p.Glu2Gly)

Gene: ENPP1 (ectonucleotide pyrophosphatase/phosphodiesterase 1; plus strand). Cytogenetic location: 6q23.2.
Variant type: single nucleotide variant.
Coding change: c.5A>G on transcript NM_006208.3 (MANE Select); coding-DNA position 5, A replaced by G.
Protein change: p.Glu2Gly; replaces glutamic acid 2 with glycine.
Molecular consequence: missense variant.
Genome position (GRCh38, 1-based): chr6:131,808,040, A>G. VCF-style: chr6-131808040-A-G. GRCh37 (hg19) VCF-style: chr6-132129180-A-G.
Other names: short protein forms E2G.
Identifiers: ClinVar variation 3701844 (VCV003701844.2).

ClinVar aggregate classification (germline): Uncertain significance (1 of 4 stars; one submission).

Submission:

Labcorp Genetics (formerly Invitae), Labcorp
Classification: Uncertain significance. Last evaluated: 2024-03-16. Review status: criteria provided, single submitter. Criteria: Invitae Variant Classification Sherloc (09022015). Collection method: clinical testing. Allele origin: germline.
Comment: This sequence change replaces glutamic acid, which is acidic and polar, with glycine, which is neutral and non-polar, at codon 2 of the ENPP1 protein (p.Glu2Gly). The frequency data for this variant in the population databases is considered unreliable, as metrics indicate insufficient coverage at this position in the gnomAD database. This variant has not been reported in the literature in individuals affected with ENPP1-related conditions. Experimental studies and prediction algorithms are not available or were not evaluated, and the functional significance of this variant is currently unknown. In summary, the available evidence is currently insufficient to determine the role of this variant in disease. Therefore, it has been classified as a Variant of Uncertain Significance.